The following is an entry in ClinVar:

ClinVar aggregate classification (germline): Uncertain significance. Review status: criteria provided, multiple submitters, no conflicts (2 of 4 stars). 2 submissions from 2 submitters: Uncertain significance (2). Last evaluated 2026-01-19.

Conditions:
Cowden syndrome (CS). Also called: Cowden's disease; Cowden's syndrome; Cowden disease. Identifiers: Orphanet 201, MedGen C0018553, MONDO:0016063. Disease mechanism: gain of function.
Inborn genetic diseases. Identifiers: MedGen C0950123, MeSH D030342.

Allele frequency attached by ClinVar (database versions not stated): gnomAD exomes below 0.00001; gnomAD 0.00001.
gnomAD v4.1: 2 of 1,547,772 alleles (0.00013%); highest among the groups gnomAD compares: African/African-American, 0.0014%; no homozygotes.

Submissions (2):

Labcorp Genetics (formerly Invitae), Labcorp
Classification: Uncertain significance for Cowden syndrome. Last evaluated: 2026-01-19. Review status: criteria provided, single submitter. Criteria: Invitae Variant Classification Sherloc (09022015). Collection method: clinical testing. Allele origin: germline.
Comment: This sequence change replaces proline, which is neutral and non-polar, with serine, which is neutral and polar, at codon 592 of the PIK3CA protein (p.Pro592Ser). This variant is not present in population databases (gnomAD no frequency). This variant has not been reported in the literature in individuals affected with PIK3CA-related conditions. ClinVar contains an entry for this variant (Variation ID: 1410504). Invitae Evidence Modeling of protein sequence and biophysical properties (such as structural, functional, and spatial information, amino acid conservation, physicochemical variation, residue mobility, and thermodynamic stability) has been performed for this missense variant. However, the output from this modeling did not meet the statistical confidence thresholds required to predict the impact of this variant on PIK3CA protein function. In summary, the available evidence is currently insufficient to determine the role of this variant in disease. Therefore, it has been classified as a Variant of Uncertain Significance.

Ambry Genetics
Classification: Uncertain significance for Inborn genetic diseases. Last evaluated: 2024-01-12. Review status: criteria provided, single submitter. Criteria: Ambry Variant Classification Scheme 2023. Collection method: clinical testing. Allele origin: germline.
Comment: The p.P592S variant (also known as c.1774C>T), located in coding exon 11 of the PIK3CA gene, results from a C to T substitution at nucleotide position 1774. The proline at codon 592 is replaced by serine, an amino acid with similar properties. This amino acid position is conserved. In addition, this alteration is predicted to be tolerated by in silico analysis. Since supporting evidence is limited at this time, the clinical significance of this alteration remains unclear.

NM_006218.4(PIK3CA):c.1774C>T (p.Pro592Ser)

Gene: PIK3CA (phosphatidylinositol-4,5-bisphosphate 3-kinase catalytic subunit alpha; plus strand). Cytogenetic location: 3q26.32.
Variant type: single nucleotide variant.
Coding change: c.1774C>T on transcript NM_006218.4 (MANE Select); coding-DNA position 1774, C replaced by T.
Protein change: p.Pro592Ser; replaces proline 592 with serine.
Molecular consequence: missense variant.
Genome position (GRCh38, 1-based): chr3:179,219,598, C>T. VCF-style: chr3-179219598-C-T. GRCh37 (hg19) VCF-style: chr3-178937386-C-T.
Other names: short protein forms P592S.
Identifiers: ClinVar variation 1410504 (VCV001410504.10), dbSNP rs1724920020, ClinGen allele CA355265937.
Genomic context (GRCh38, chr3:179,219,598, plus strand): 5'-TTAAATATGATTTATTGTCTTTCTCATACACAGATGTATTGCTTGGTAAAAGATTGGCCT[C>T]CAATCAAACCTGAACAGGCTATGGAACTTCTGGACTGTAATTACCCAGATCCTATGGTTC-3'
Protein context (NP_006209.2, residues 582-602): QMYCLVKDWP[Pro592Ser]IKPEQAMELL